The following is an entry in ClinVar:

ClinVar aggregate classification (germline): Uncertain significance (1 of 4 stars; one submission).

Conditions:
GRHL2-related disorder. Also called: GRHL2-related disorders; GRHL2-related condition.

Submission:

PreventionGenetics, part of Exact Sciences
Classification: Uncertain significance for GRHL2-related condition. Last evaluated: 2026-03-11. Review status: criteria provided, single submitter. Criteria: ACMG Guidelines, 2015. Collection method: clinical testing. Allele origin: germline.
Comment: The GRHL2 c.871C>T variant is predicted to result in the amino acid substitution p.His291Tyr. To our knowledge, this variant has not been reported in the literature or in a large population database, indicating this variant is rare. At this time, the clinical significance of this variant is uncertain due to the absence of conclusive functional and genetic evidence.

NM_024915.4(GRHL2):c.871C>T (p.His291Tyr)

Gene: GRHL2 (grainyhead like transcription factor 2; plus strand). Cytogenetic location: 8q22.3.
Variant type: single nucleotide variant.
Coding change: c.871C>T on transcript NM_024915.4 (MANE Select); coding-DNA position 871, C replaced by T.
Protein change: p.His291Tyr; replaces histidine 291 with tyrosine.
Molecular consequence: missense variant.
Genome position (GRCh38, 1-based): chr8:101,573,804, C>T. VCF-style: chr8-101573804-C-T. GRCh37 (hg19) VCF-style: chr8-102586032-C-T.
Other names: c.823C>T, p.His275Tyr (NM_001330593.2, NM_001440448.1); c.871C>T, p.His291Tyr (NM_001440447.1); short protein forms H291Y, H275Y.
Identifiers: ClinVar variation 4988000 (VCV004988000.1).